The following is an entry in ClinVar:

ClinVar aggregate classification (germline): Uncertain significance. Review status: criteria provided, multiple submitters, no conflicts (2 of 4 stars). 2 submissions from 2 submitters: Uncertain significance (2). Last evaluated 2025-03-03.

Conditions:
Inborn genetic diseases. Identifiers: MedGen C0950123, MeSH D030342.
Spondyloepimetaphyseal dysplasia, PAPSS2 type. Also called: BRACHYOLMIA TYPE 4 WITH MILD EPIPHYSEAL AND METAPHYSEAL CHANGES; SPONDYLODYSPLASIA AND PREMATURE PUBARCHE; SEMD, PAKISTANI TYPE. Identifiers: Orphanet 93282, MedGen C2748516, MONDO:0019666, OMIM 612847.

Allele frequency attached by ClinVar (database versions not stated): TOPMed 0.00003; gnomAD 0.00004.
gnomAD v4.1: 8 of 1,614,034 alleles (0.0005%); highest among the groups gnomAD compares: African/African-American, 0.008%; no homozygotes.

Submissions (2):

Labcorp Genetics (formerly Invitae), Labcorp
Classification: Uncertain significance for Spondyloepimetaphyseal dysplasia, PAPSS2 type. Last evaluated: 2025-03-03. Review status: criteria provided, single submitter. Criteria: Invitae Variant Classification Sherloc (09022015). Collection method: clinical testing. Allele origin: germline.
Comment: This sequence change replaces glycine, which is neutral and non-polar, with aspartic acid, which is acidic and polar, at codon 438 of the PAPSS2 protein (p.Gly438Asp). This variant is not present in population databases (gnomAD no frequency). This variant has not been reported in the literature in individuals affected with PAPSS2-related conditions. ClinVar contains an entry for this variant (Variation ID: 2165979). An algorithm developed to predict the effect of missense changes on protein structure and function outputs the following: PolyPhen-2: "Benign". The aspartic acid amino acid residue is found in multiple mammalian species, which suggests that this missense change does not adversely affect protein function. In summary, the available evidence is currently insufficient to determine the role of this variant in disease. Therefore, it has been classified as a Variant of Uncertain Significance.

Ambry Genetics
Classification: Uncertain significance for Inborn genetic diseases. Last evaluated: 2021-11-12. Review status: criteria provided, single submitter. Criteria: Ambry Variant Classification Scheme 2023. Collection method: clinical testing. Allele origin: germline.

NM_001015880.2(PAPSS2):c.1313G>A (p.Gly438Asp)

Gene: PAPSS2 (3'-phosphoadenosine 5'-phosphosulfate synthase 2; plus strand). Cytogenetic location: 10q23.31.
Variant type: single nucleotide variant.
Coding change: c.1313G>A on transcript NM_001015880.2 (MANE Select); coding-DNA position 1313, G replaced by A.
Protein change: p.Gly438Asp; replaces glycine 438 with aspartic acid.
Molecular consequence: missense variant.
Genome position (GRCh38, 1-based): chr10:87,743,463, G>A. VCF-style: chr10-87743463-G-A. GRCh37 (hg19) VCF-style: chr10-89503220-G-A.
Other names: c.1298G>A, p.Gly433Asp (NM_004670.4); c.1298G>A (NM_004670.3); short protein forms G433D, G438D.
Identifiers: ClinVar variation 2165979 (VCV002165979.4), dbSNP rs1475769784, ClinGen allele CA377483043.